The following is an entry in ClinVar:

NM_001378328.1(CELSR1):c.8826G>A (p.Thr2942=)

Gene: CELSR1 (cadherin EGF LAG seven-pass G-type receptor 1; minus strand). Cytogenetic location: 22q13.31.
Variant type: single nucleotide variant.
Coding change: c.8826G>A on transcript NM_001378328.1 (MANE Select); coding-DNA position 8826, G replaced by A.
Protein change: p.Thr2942=; no amino-acid change (threonine 2942 retained).
Molecular consequence: synonymous variant.
Genome position (GRCh38, 1-based): chr22:46,364,205, C>T on the plus strand (G>A on the coding strand, the complement: CELSR1 is on the minus strand). VCF-style: chr22-46364205-C-T. GRCh37 (hg19) VCF-style: chr22-46760102-C-T.
Other names: c.8826G>A, p.Thr2942= (NM_014246.4).
Identifiers: ClinVar variation 1226210 (VCV001226210.6), dbSNP rs6008778, ClinGen allele CA10292611.

ClinVar aggregate classification (germline): Benign. Review status: criteria provided, multiple submitters, no conflicts (2 of 4 stars). 3 submissions from 3 submitters: Benign (2). 1 of the submissions does not count toward it. Last evaluated 2020-02-21.

Conditions:
CELSR1-related disorder. Also called: CELSR1-related condition.

Allele frequency attached by ClinVar (database versions not stated): gnomAD exomes 0.00597 and 0.01442; ExAC 0.01742; gnomAD 0.05039 and 0.05390; 1000 Genomes Project 0.05431; 1000 Genomes Project 30x 0.05715; TOPMed 0.05757; ESP Exome Variant Server 0.05998.
gnomAD v4.1: 16,744 of 1,611,192 alleles (1%); highest among the groups gnomAD compares: African/African-American, 17%; 1,209 homozygotes.

Submissions (3):

GeneDx
Classification: Benign. Last evaluated: 2020-02-21. Review status: criteria provided, single submitter. Criteria: GeneDx Variant Classification Process June 2021. Collection method: clinical testing. Allele origin: germline. Affected: yes.

Breakthrough Genomics
Classification: Benign. Review status: criteria provided, single submitter. Criteria: ACMG Guidelines, 2015. Collection method: not provided. Allele origin: germline. Inheritance: Autosomal dominant inheritance. Affected: yes.

PreventionGenetics, part of Exact Sciences
Classification: Benign for CELSR1-related condition. Last evaluated: 2019-08-28. Review status: no assertion criteria provided. Collection method: clinical testing. Allele origin: germline. Not counted in ClinVar's aggregate classification.
Comment: This variant is classified as benign based on ACMG/AMP sequence variant interpretation guidelines (Richards et al. 2015 PMID: 25741868, with internal and published modifications).